The following is an entry in ClinVar:

NM_001114753.3(ENG):c.219+259dup

Gene: ENG (endoglin; minus strand). Cytogenetic location: 9q34.11.
Variant type: Duplication.
Coding change: c.219+259dup on transcript NM_001114753.3 (MANE Select); 259 bases into the intron after coding-DNA position 219, one base duplicated (T; older notation c.219+259dupT).
Molecular consequence: intron variant.
Genome position (GRCh38, 1-based): chr9:127,842,835, A duplicated on the plus strand (T on the coding strand, the reverse complement: ENG is on the minus strand). VCF-style (leftmost placement, unchanged base first): chr9-127842834-C-CA. GRCh37 (hg19) VCF-style: chr9-130605113-C-CA.
Other names: c.219+259dup (NM_000118.4, NM_001406715.1); c.-328+259dup (NM_001278138.2).
Identifiers: ClinVar variation 672685 (VCV000672685.3), dbSNP rs148797940, ClinGen allele CA374988781.

ClinVar aggregate classification (germline): Benign (1 of 4 stars; one submission).

Allele frequency attached by ClinVar (database versions not stated): 1000 Genomes Project 0.11002.

Submission:

GeneDx
Classification: Benign. Last evaluated: 2018-06-14. Review status: criteria provided, single submitter. Criteria: GeneDx Variant Classification (06012015). Collection method: clinical testing. Allele origin: germline. Affected: yes.
Comment: This variant is considered likely benign or benign based on one or more of the following criteria: it is a conservative change, it occurs at a poorly conserved position in the protein, it is predicted to be benign by multiple in silico algorithms, and/or has population frequency not consistent with disease.